The following is an entry in ClinVar:

ClinVar aggregate classification (germline): Uncertain significance (1 of 4 stars; one submission).

Allele frequency attached by ClinVar (database versions not stated): gnomAD 0.00001 and 0.00002; gnomAD exomes 0.00001 and 0.00003; ExAC 0.00002; TOPMed 0.00002; 1000 Genomes Project 0.00020; 1000 Genomes Project 30x 0.00031.
gnomAD v4.1: 39 of 1,614,238 alleles (0.0024%); highest among the groups gnomAD compares: Non-Finnish European, 0.0031%; no homozygotes.

Submission:

Labcorp Genetics (formerly Invitae), Labcorp
Classification: Uncertain significance. Last evaluated: 2022-05-03. Review status: criteria provided, single submitter. Criteria: Invitae Variant Classification Sherloc (09022015). Collection method: clinical testing. Allele origin: germline.
Comment: In summary, the available evidence is currently insufficient to determine the role of this variant in disease. Therefore, it has been classified as a Variant of Uncertain Significance. Algorithms developed to predict the effect of missense changes on protein structure and function output the following: SIFT: "Not Available"; PolyPhen-2: "Benign"; Align-GVGD: "Not Available". The isoleucine amino acid residue is found in multiple mammalian species, which suggests that this missense change does not adversely affect protein function. This variant has not been reported in the literature in individuals affected with CEP250-related conditions. This variant is present in population databases (rs558321170, gnomAD 0.01%). This sequence change replaces valine, which is neutral and non-polar, with isoleucine, which is neutral and non-polar, at codon 1523 of the CEP250 protein (p.Val1523Ile).

NM_007186.6(CEP250):c.4567G>A (p.Val1523Ile)

Gene: CEP250 (centrosomal protein 250; plus strand). Cytogenetic location: 20q11.22.
Variant type: single nucleotide variant.
Coding change: c.4567G>A on transcript NM_007186.6 (MANE Select); coding-DNA position 4567, G replaced by A.
Protein change: p.Val1523Ile; replaces valine 1523 with isoleucine.
Molecular consequence: missense variant.
Genome position (GRCh38, 1-based): chr20:35,502,936, G>A. VCF-style: chr20-35502936-G-A. GRCh37 (hg19) VCF-style: chr20-34090764-G-A.
Other names: c.2671G>A, p.Val891Ile (NM_001318219.1); short protein forms V1523I, V891I.
Identifiers: ClinVar variation 1438714 (VCV001438714.8), dbSNP rs558321170, ClinGen allele CA9833740.